The following is an entry in ClinVar:

ClinVar aggregate classification (germline): Uncertain significance. Review status: criteria provided, multiple submitters, no conflicts (2 of 4 stars). 2 submissions from 2 submitters: Uncertain significance (2). Last evaluated 2024-01-23.

Conditions:
Inborn genetic diseases. Identifiers: MedGen C0950123, MeSH D030342.
Dihydropteridine reductase deficiency (HPABH4C). Also called: DHPR DEFICIENCY; BH4-Deficient Hyperphenylalaninemia C; Hyperphenylalaninemia due to dihydropteridine reductase deficiency; Hyperphenylalaninemia, BH-4-deficient, C; Phenylketonuria type 2; HYPERPHENYLALANINEMIA, TETRAHYDROBIOPTERIN-DEFICIENT, DUE TO DHPR DEFICIENCY. Identifiers: Orphanet 226, Orphanet 238583, MedGen C0268465, MONDO:0009862, OMIM 261630.

Allele frequency attached by ClinVar (database versions not stated): gnomAD exomes 0.00001 and below 0.00001; gnomAD 0.00005 and 0.00006; ExAC 0.00001.
gnomAD v4.1: 14 of 1,601,418 alleles (0.00087%); highest among the groups gnomAD compares: African/African-American, 0.019%; no homozygotes.

Submissions (2):

Ambry Genetics
Classification: Uncertain significance for Inborn genetic diseases. Last evaluated: 2024-01-23. Review status: criteria provided, single submitter. Criteria: Ambry Variant Classification Scheme 2023. Collection method: clinical testing. Allele origin: germline.

Labcorp Genetics (formerly Invitae), Labcorp
Classification: Uncertain significance for Dihydropteridine reductase deficiency. Last evaluated: 2021-08-14. Review status: criteria provided, single submitter. Criteria: Invitae Variant Classification Sherloc (09022015). Collection method: clinical testing. Allele origin: germline.
Comment: This sequence change replaces alanine with threonine at codon 3 of the QDPR protein (p.Ala3Thr). The alanine residue is weakly conserved and there is a small physicochemical difference between alanine and threonine. This variant is present in population databases (rs769620717, ExAC 0.02%). This variant has not been reported in the literature in individuals affected with QDPR-related conditions. Algorithms developed to predict the effect of missense changes on protein structure and function are either unavailable or do not agree on the potential impact of this missense change (SIFT: "Tolerated"; PolyPhen-2: "Not Available"; Align-GVGD: "Class C0"). In summary, the available evidence is currently insufficient to determine the role of this variant in disease. Therefore, it has been classified as a Variant of Uncertain Significance.

NM_000320.3(QDPR):c.7G>A (p.Ala3Thr)

Genes: QDPR (quinoid dihydropteridine reductase; minus strand), LOC129992304 (ATAC-STARR-seq lymphoblastoid silent region 15310; plus strand). Cytogenetic location: 4p15.32.
Variant type: single nucleotide variant.
Coding change: c.7G>A on transcript NM_000320.3 (MANE Select); coding-DNA position 7, G replaced by A.
Protein change: p.Ala3Thr; replaces alanine 3 with threonine.
Molecular consequence: missense variant. On other transcripts: non-coding transcript variant (1).
Genome position (GRCh38, 1-based): chr4:17,512,048, C>T on the plus strand (G>A on the coding strand, the complement: QDPR is on the minus strand). VCF-style: chr4-17512048-C-T. GRCh37 (hg19) VCF-style: chr4-17513671-C-T.
Other names: c.7G>A, p.Ala3Thr (NM_001306140.2); c.7G>A (NM_000320.2); short protein forms A3T.
Identifiers: ClinVar variation 1389497 (VCV001389497.6), dbSNP rs769620717, ClinGen allele CA2868267.